The following is an entry in ClinVar:

ClinVar aggregate classification (germline): Uncertain significance (1 of 4 stars; one submission).

gnomAD v4.1: 4 of 1,614,132 alleles (0.00025%); highest among the groups gnomAD compares: East Asian, 0.0067%; no homozygotes.

Submission:

Women's Health and Genetics/Laboratory Corporation of America, LabCorp
Classification: Uncertain significance. Last evaluated: 2024-08-22. Review status: criteria provided, single submitter. Criteria: LabCorp Variant Classification Summary - May 2015. Collection method: clinical testing. Allele origin: germline.
Comment: Variant summary: STXBP2 c.971A>G (p.Lys324Arg) results in a conservative amino acid change in the encoded protein sequence. Four of five in-silico tools predict a benign effect of the variant on protein function. The variant allele was found at a frequency of 4e-06 in 251488 control chromosomes. c.971A>G has been reported in the literature in individuals affected with Familial Hemophagocytic Lymphohistiocytosis (example, Kaya_2015, Xu_2017, Chen_2018). However in some cases, the zygosity and testing method were not fully provided. These data indicate that the variant may be associated with disease. To our knowledge, no experimental evidence demonstrating an impact on protein function has been reported. The following publications have been ascertained in the context of this evaluation (PMID: 29665027, 25901543, 27781387). No submitters have cited clinical-significance assessments for this variant to ClinVar. Based on the evidence outlined above, the variant was classified as VUS-possibly pathogenic.

Literature cited by the submitters: PubMed 29665027; PubMed 25901543; PubMed 27781387.

NM_006949.4(STXBP2):c.971A>G (p.Lys324Arg)

Gene: STXBP2 (syntaxin binding protein 2; plus strand). Cytogenetic location: 19p13.2.
Variant type: single nucleotide variant.
Coding change: c.971A>G on transcript NM_006949.4 (MANE Select); coding-DNA position 971, A replaced by G.
Protein change: p.Lys324Arg; replaces lysine 324 with arginine.
Molecular consequence: missense variant. On other transcripts: non-coding transcript variant (1).
Genome position (GRCh38, 1-based): chr19:7,642,993, A>G. VCF-style: chr19-7642993-A-G. GRCh37 (hg19) VCF-style: chr19-7707879-A-G.
Other names: c.962A>G, p.Lys321Arg (NM_001127396.3); c.1004A>G, p.Lys335Arg (NM_001272034.2); c.875A>G, p.Lys292Arg (NM_001414484.1); short protein forms K292R, K321R, K324R, K335R.
Identifiers: ClinVar variation 3366656 (VCV003366656.1).